The following is an entry in ClinVar:

NM_004706.4(ARHGEF1):c.1024G>A (p.Ala342Thr)

Gene: ARHGEF1 (Rho guanine nucleotide exchange factor 1; plus strand). Cytogenetic location: 19q13.2.
Variant type: single nucleotide variant.
Coding change: c.1024G>A on transcript NM_004706.4 (MANE Select); coding-DNA position 1024, G replaced by A.
Protein change: p.Ala342Thr; replaces alanine 342 with threonine.
Molecular consequence: missense variant.
Genome position (GRCh38, 1-based): chr19:41,896,385, G>A. VCF-style: chr19-41896385-G-A. GRCh37 (hg19) VCF-style: chr19-42400458-G-A.
Other names: c.1069G>A (NM_199002.1); c.925G>A, p.Ala309Thr (NM_198977.2); c.1069G>A, p.Ala357Thr (NM_199002.2); short protein forms A309T, A342T, A357T.
Identifiers: ClinVar variation 1157152 (VCV001157152.14), dbSNP rs200492200, ClinGen allele CA9466168.

ClinVar aggregate classification (germline): Conflicting classifications of pathogenicity. Review status: criteria provided, conflicting classifications (1 of 4 stars). 5 submissions from 5 submitters: Uncertain significance (1); Likely benign (3). 1 of the submissions does not count toward it. Last evaluated 2026-01-30.

Conditions:
ARHGEF1-related disorder. Also called: ARHGEF1-related condition.

Allele frequency attached by ClinVar (database versions not stated): gnomAD exomes 0.00028; ESP Exome Variant Server 0.00031; gnomAD 0.00054 and 0.00060; TOPMed 0.00056; ExAC 0.00084; 1000 Genomes Project 0.00120; 1000 Genomes Project 30x 0.00125.
gnomAD v4.1: 263 of 1,428,218 alleles (0.018%); highest among the groups gnomAD compares: African/African-American, 0.2%; 1 homozygote.

Submissions (5):

Women's Health and Genetics/Laboratory Corporation of America, LabCorp
Classification: Uncertain significance. Last evaluated: 2026-01-30. Review status: criteria provided, single submitter. Criteria: LabCorp Variant Classification Summary - May 2015. Collection method: clinical testing. Allele origin: germline.
Comment: Variant summary: ARHGEF1 c.1069G>A (p.Ala357Thr) results in a non-conservative amino acid change in the encoded protein sequence. Algorithms developed to predict the effect of missense changes on protein structure and function are either unavailable or do not agree on the potential impact of this missense change. The variant allele was found at a frequency of 0.00028 in 78976 control chromosomes. This frequency is not significantly higher than estimated for disease-causing variants in ARHGEF1, allowing no conclusion about variant significance. To our knowledge, no occurrence of c.1069G>A in individuals affected with ARHGEF1-related conditions and no experimental evidence demonstrating its impact on protein function have been reported. ClinVar contains an entry for this variant (Variation ID: 1157152). Based on the evidence outlined above, the variant was classified as uncertain significance.

Labcorp Genetics (formerly Invitae), Labcorp
Classification: Likely benign. Last evaluated: 2025-12-17. Review status: criteria provided, single submitter. Criteria: Invitae Variant Classification Sherloc (09022015). Collection method: clinical testing. Allele origin: germline.

Blueprint Genetics
Classification: Likely benign. Last evaluated: 2024-09-17. Review status: criteria provided, single submitter. Criteria: ACMG Guidelines, 2015. Collection method: clinical testing. Allele origin: germline.

Breakthrough Genomics
Classification: Likely benign. Review status: criteria provided, single submitter. Criteria: ACMG Guidelines, 2015. Collection method: not provided. Allele origin: germline. Inheritance: Autosomal recessive inheritance. Affected: yes.

PreventionGenetics, part of Exact Sciences
Classification: Likely benign for ARHGEF1-related condition. Last evaluated: 2022-07-12. Review status: no assertion criteria provided. Collection method: clinical testing. Allele origin: germline. Not counted in ClinVar's aggregate classification.
Comment: This variant is classified as likely benign based on ACMG/AMP sequence variant interpretation guidelines (Richards et al. 2015 PMID: 25741868, with internal and published modifications).